The following is an entry in ClinVar:

NM_203475.3(PORCN):c.1312_1314del (p.Lys438del)

Gene: PORCN (porcupine O-acyltransferase; plus strand). Cytogenetic location: Xp11.23.
Variant type: Deletion.
Coding change: c.1312_1314del on transcript NM_203475.3 (MANE Select); coding-DNA positions 1312 to 1314, 3 bases deleted (AAG; older notation c.1312_1314delAAG).
Protein change: p.Lys438del; deletes lysine 438.
Molecular consequence: inframe deletion. On other transcripts: non-coding transcript variant (2).
Genome position (GRCh38, 1-based): chrX:48,520,402-48,520,404, AAG deleted. VCF-style (leftmost placement, unchanged base first): chrX-48520401-CAAG-C. GRCh37 (hg19) VCF-style: chrX-48378789-CAAG-C.
Other names: c.1279_1281del, p.Lys427del (NM_022825.4); c.1297_1299del, p.Lys433del (NM_203473.3); c.1294_1296del, p.Lys432del (NM_203474.1); c.1066_1068del, p.Lys356del (NM_001282167.2); c.1636_1638del, p.Lys546del (NM_001441333.1); c.1618_1620del, p.Lys540del (NM_001441334.1); c.1384_1386del, p.Lys462del (NM_001441335.1); c.1471_1473del, p.Lys491del (NM_001441336.1); short protein forms K356del, K427del, K432del, K433del, K438del, K462del, K491del, K540del.
Identifiers: ClinVar variation 4884028 (VCV004884028.2).

ClinVar aggregate classification (germline): Uncertain significance (1 of 4 stars; one submission).

Conditions:
Focal dermal hypoplasia (FDH). Also called: Goltz syndrome. Identifiers: Orphanet 2092, MedGen C0016395, MONDO:0010592, OMIM 305600.

Submission:

Dasa
Classification: Uncertain significance for Focal dermal hypoplasia. Last evaluated: 2026-04-20. Review status: criteria provided, single submitter. Criteria: DASA Assertion Criteria. Collection method: clinical testing. Allele origin: germline.
Comment: NM_203475.3(PORCN):c.1312_1314del (p.Lys438del) is an in-frame deletion predicted to remove lysine at protein position 438 without shifting the reading frame. This variant is rare in population databases. The currently available literature and clinical evidence are not sufficient to establish a definitive association between this variant and the reported condition. Therefore, this variant is classified as a variant of uncertain significance.